The following is an entry in ClinVar:

NM_032888.4(COL27A1):c.2139T>A (p.Tyr713Ter)

Gene: COL27A1 (collagen type XXVII alpha 1 chain; plus strand). Cytogenetic location: 9q32.
Variant type: single nucleotide variant.
Coding change: c.2139T>A on transcript NM_032888.4 (MANE Select); coding-DNA position 2139, T replaced by A.
Protein change: p.Tyr713Ter; replaces tyrosine 713 with a stop codon.
Molecular consequence: nonsense.
Genome position (GRCh38, 1-based): chr9:114,205,116, T>A. VCF-style: chr9-114205116-T-A. GRCh37 (hg19) VCF-style: chr9-116967396-T-A.
Other names: short protein forms Y713*.
Identifiers: ClinVar variation 1422433 (VCV001422433.6), dbSNP rs2135298547, ClinGen allele CA374600261.

ClinVar aggregate classification (germline): Pathogenic (1 of 4 stars; one submission).

Submission:

Labcorp Genetics (formerly Invitae), Labcorp
Classification: Pathogenic. Last evaluated: 2021-04-20. Review status: criteria provided, single submitter. Criteria: Invitae Variant Classification Sherloc (09022015). Collection method: clinical testing. Allele origin: germline.
Comment: This sequence change creates a premature translational stop signal (p.Tyr713*) in the COL27A1 gene. It is expected to result in an absent or disrupted protein product. Loss-of-function variants in COL27A1 are known to be pathogenic (PMID: 24986830, 28276056). This variant is not present in population databases (ExAC no frequency). This variant has not been reported in the literature in individuals with COL27A1-related conditions. For these reasons, this variant has been classified as Pathogenic.

Literature cited by the submitters: PubMed 24986830; PubMed 28276056.